The following is an entry in ClinVar:

ClinVar aggregate classification (germline): Likely benign (0 of 4 stars; one submission).

Conditions:
FLT4-related disorder. Also called: FLT4-related condition.

gnomAD v4.1: 10 of 1,614,062 alleles (0.00062%); highest among the groups gnomAD compares: Middle Eastern, 0.016%; no homozygotes.

Submission:

PreventionGenetics, part of Exact Sciences
Classification: Likely benign for FLT4-related condition. Last evaluated: 2022-08-15. Review status: no assertion criteria provided. Collection method: clinical testing. Allele origin: germline.
Comment: This variant is classified as likely benign based on ACMG/AMP sequence variant interpretation guidelines (Richards et al. 2015 PMID: 25741868, with internal and published modifications).

NM_182925.5(FLT4):c.3825T>C (p.Ser1275=)

Gene: FLT4 (fms related receptor tyrosine kinase 4; minus strand). Cytogenetic location: 5q35.3.
Variant type: single nucleotide variant.
Coding change: c.3825T>C on transcript NM_182925.5 (MANE Select); coding-DNA position 3825, T replaced by C.
Protein change: p.Ser1275=; no amino-acid change (serine 1275 retained).
Molecular consequence: synonymous variant.
Genome position (GRCh38, 1-based): chr5:180,609,036, A>G on the plus strand (T>C on the coding strand, the complement: FLT4 is on the minus strand). VCF-style: chr5-180609036-A-G. GRCh37 (hg19) VCF-style: chr5-180036036-A-G.
Other names: c.3825T>C, p.Ser1275= (NM_001354989.2, NM_002020.5).
Identifiers: ClinVar variation 3043868 (VCV003043868.2), dbSNP rs1407525547, ClinGen allele CA448101323.
Genomic context (GRCh38, chr5:180,609,036, plus strand): 5'-GCTTTCTTGTCTATGCCTGCTCTCTATCTGCTCAAACTCCTCCGAGGCCAGCACCATCCC[A>G]CTGTCTGTCTGGTTGTCCTGTGTGGAGAGGACAAGCCAGGCTGTGGGTCCCGCCTGAGGC-3'
Protein context (NP_891555.2, residues 1265-1285): YKGSVDNQTD[Ser1275=]GMVLASEEFE